The following is an entry in ClinVar:

NM_001999.4(FBN2):c.4838C>G (p.Ala1613Gly)

Gene: FBN2 (fibrillin 2; minus strand). Cytogenetic location: 5q23.3.
Variant type: single nucleotide variant.
Coding change: c.4838C>G on transcript NM_001999.4 (MANE Select); coding-DNA position 4838, C replaced by G.
Protein change: p.Ala1613Gly; replaces alanine 1613 with glycine.
Molecular consequence: missense variant.
Genome position (GRCh38, 1-based): chr5:128,312,675, G>C on the plus strand (C>G on the coding strand, the complement: FBN2 is on the minus strand). VCF-style: chr5-128312675-G-C. GRCh37 (hg19) VCF-style: chr5-127648367-G-C.
Other names: short protein forms A1613G.
Identifiers: ClinVar variation 1718642 (VCV001718642.6), dbSNP rs2479743386, ClinGen allele CA360746565.

ClinVar aggregate classification (germline): Uncertain significance (1 of 4 stars; one submission).

Conditions:
Congenital contractural arachnodactyly (CCA). Also called: BEALS SYNDROME; Beals-Hecht syndrome; Arthrogryposis, distal, type 9. Identifiers: Orphanet 115, MedGen C0220668, MONDO:0007363, OMIM 121050.

Allele frequency attached by ClinVar (database versions not stated): gnomAD exomes below 0.00001.
gnomAD v4.1: 7 of 1,613,852 alleles (0.00043%); highest among the groups gnomAD compares: Non-Finnish European, 0.00059%; no homozygotes.

Submission:

Labcorp Genetics (formerly Invitae), Labcorp
Classification: Uncertain significance for Congenital contractural arachnodactyly. Last evaluated: 2022-09-19. Review status: criteria provided, single submitter. Criteria: Invitae Variant Classification Sherloc (09022015). Collection method: clinical testing. Allele origin: germline.
Comment: In summary, the available evidence is currently insufficient to determine the role of this variant in disease. Therefore, it has been classified as a Variant of Uncertain Significance. Advanced modeling of protein sequence and biophysical properties (such as structural, functional, and spatial information, amino acid conservation, physicochemical variation, residue mobility, and thermodynamic stability) performed at Invitae indicates that this missense variant is not expected to disrupt FBN2 protein function. This variant has not been reported in the literature in individuals affected with FBN2-related conditions. This variant is not present in population databases (gnomAD no frequency). This sequence change replaces alanine, which is neutral and non-polar, with glycine, which is neutral and non-polar, at codon 1613 of the FBN2 protein (p.Ala1613Gly).